The following is an entry in ClinVar:

NM_017813.5(BPNT2):c.551-3_551-2del

Gene: BPNT2 (3'(2'), 5'-bisphosphate nucleotidase 2; minus strand). Cytogenetic location: 8q12.1.
Variant type: Deletion.
Coding change: c.551-3_551-2del on transcript NM_017813.5 (MANE Select); 3 bases into the intron before coding-DNA position 551 through the canonical splice acceptor site of the intron before coding-DNA position 551, 2 bases deleted (TA; older notation c.551-3_551-2delTA).
Molecular consequence: splice acceptor variant.
Genome position (GRCh38, 1-based): chr8:56,978,147-56,978,148, TA deleted on the plus strand (TA on the coding strand, the reverse complement: BPNT2 is on the minus strand); deleting any 2 consecutive bases within chr8:56,978,147-56,978,149 gives the same sequence; the c. name uses the placement nearest the transcript's 3' end. VCF-style (leftmost placement, unchanged base first): chr8-56978146-CTA-C. GRCh37 (hg19) VCF-style: chr8-57890705-CTA-C.
Other names: c.551-3_551-2delTA (NM_017813.5).
Identifiers: ClinVar variation 2201700 (VCV002201700.2), dbSNP rs760054336, ClinGen allele CA4755881.

ClinVar aggregate classification (germline): Uncertain significance. Review status: criteria provided, multiple submitters, no conflicts (2 of 4 stars). 2 submissions from 2 submitters: Uncertain significance (2). Last evaluated 2025-12-19.

Submissions (2):

Women's Health and Genetics/Laboratory Corporation of America, LabCorp
Classification: Uncertain significance. Last evaluated: 2025-12-19. Review status: criteria provided, single submitter. Criteria: LabCorp Variant Classification Summary - May 2015. Collection method: clinical testing. Allele origin: germline.
Comment: Variant summary: BPNT2 c.551-3_551-2delTA alters a non-conserved nucleotide located close to a canonical splice site and therefore could affect mRNA splicing, leading to a significantly altered protein sequence. Several computational tools predict a significant impact on normal splicing: Two predict the variant creates a cryptic 3' acceptor site, one predicts the variant strengthens a cryptic 3' acceptor site, one predicts the variant has no significant impact on splicing at the cryptic 3' acceptor site, one predicts the variant weakens a canonical 3' acceptor site, and three predict the variant has no significant impact on splicing at the canonical 3' acceptor site. However, these predictions have yet to be confirmed by functional studies. The variant allele was found at a frequency of 0.0002 in 249640 control chromosomes. This frequency is not significantly higher than estimated for disease-causing variants in BPNT2, allowing no conclusion about variant significance. To our knowledge, no occurrence of c.551-3_551-2delTA in individuals affected with BPNT2-related conditions and no experimental evidence demonstrating its impact on protein function have been reported. ClinVar contains an entry for this variant (Variation ID: 2201700). Based on the evidence outlined above, the variant was classified as uncertain significance.

Labcorp Genetics (formerly Invitae), Labcorp
Classification: Uncertain significance. Last evaluated: 2022-09-12. Review status: criteria provided, single submitter. Criteria: Invitae Variant Classification Sherloc (09022015). Collection method: clinical testing. Allele origin: germline.
Comment: This sequence change falls in intron 2 of the IMPAD1 gene. It does not directly change the encoded amino acid sequence of the IMPAD1 protein. It affects a nucleotide within the consensus splice site. This variant is present in population databases (rs760054336, gnomAD 0.1%). This variant has not been reported in the literature in individuals affected with IMPAD1-related conditions. This variant is also known as c.551-4_551-3del. Variants that disrupt the consensus splice site are a relatively common cause of aberrant splicing (PMID: 17576681, 9536098). Experimental studies and prediction algorithms are not available or were not evaluated, and the effect of this variant on mRNA splicing is currently unknown. In summary, the available evidence is currently insufficient to determine the role of this variant in disease. Therefore, it has been classified as a Variant of Uncertain Significance.

Literature cited by the submitters: PubMed 17576681 (cited by Labcorp Genetics (formerly Invitae), Labcorp); PubMed 9536098 (cited by Labcorp Genetics (formerly Invitae), Labcorp).